The following is an entry in ClinVar:

NM_000257.4(MYH7):c.3596G>A (p.Ser1199Asn)

Gene: MYH7 (myosin heavy chain 7; minus strand). Cytogenetic location: 14q11.2.
Variant type: single nucleotide variant.
Coding change: c.3596G>A on transcript NM_000257.4 (MANE Select); coding-DNA position 3596, G replaced by A.
Protein change: p.Ser1199Asn; replaces serine 1199 with asparagine.
Molecular consequence: missense variant.
Genome position (GRCh38, 1-based): chr14:23,419,975, C>T on the plus strand (G>A on the coding strand, the complement: MYH7 is on the minus strand). VCF-style: chr14-23419975-C-T. GRCh37 (hg19) VCF-style: chr14-23889184-C-T.
Other names: c.3596G>A, p.Ser1199Asn (NM_001407004.1); short protein forms S1199N.
Identifiers: ClinVar variation 4801927 (VCV004801927.1).

ClinVar aggregate classification (germline): Uncertain significance (1 of 4 stars; one submission).

Conditions:
Hypertrophic cardiomyopathy. Also called: HYPERTROPHIC MYOCARDIOPATHY. Identifiers: Orphanet 217569, MedGen C0007194, MeSH D002312, MONDO:0005045, HP:0001639.

Submission:

Labcorp Genetics (formerly Invitae), Labcorp
Classification: Uncertain significance for Hypertrophic cardiomyopathy. Last evaluated: 2025-07-23. Review status: criteria provided, single submitter. Criteria: Invitae Variant Classification Sherloc (09022015). Collection method: clinical testing. Allele origin: germline.
Comment: This sequence change replaces serine, which is neutral and polar, with asparagine, which is neutral and polar, at codon 1199 of the MYH7 protein (p.Ser1199Asn). This variant is present in population databases (no rsID available, gnomAD 0.0009%). This variant has not been reported in the literature in individuals affected with MYH7-related conditions. Invitae Evidence Modeling of protein sequence and biophysical properties (such as structural, functional, and spatial information, amino acid conservation, physicochemical variation, residue mobility, and thermodynamic stability) indicates that this missense variant is expected to disrupt MYH7 protein function with a positive predictive value of 95%. In summary, the available evidence is currently insufficient to determine the role of this variant in disease. Therefore, it has been classified as a Variant of Uncertain Significance.